The following is an entry in ClinVar:

NM_007055.4(POLR3A):c.2611A>C (p.Met871Leu)

Gene: POLR3A (RNA polymerase III subunit A; minus strand). Cytogenetic location: 10q22.3.
Variant type: single nucleotide variant.
Coding change: c.2611A>C on transcript NM_007055.4 (MANE Select); coding-DNA position 2611, A replaced by C.
Protein change: p.Met871Leu; replaces methionine 871 with leucine.
Molecular consequence: missense variant.
Genome position (GRCh38, 1-based): chr10:77,999,986, T>G on the plus strand (A>C on the coding strand, the complement: POLR3A is on the minus strand). VCF-style: chr10-77999986-T-G. GRCh37 (hg19) VCF-style: chr10-79759744-T-G.
Other names: short protein forms M871L.
Identifiers: ClinVar variation 1365658 (VCV001365658.6), dbSNP rs2131942066, ClinGen allele CA377335412.

ClinVar aggregate classification (germline): Uncertain significance (1 of 4 stars; one submission).

gnomAD v4.1: 27 of 1,614,158 alleles (0.0017%); highest among the groups gnomAD compares: Non-Finnish European, 0.0022%; no homozygotes.

Submission:

Labcorp Genetics (formerly Invitae), Labcorp
Classification: Uncertain significance. Last evaluated: 2021-01-18. Review status: criteria provided, single submitter. Criteria: Invitae Variant Classification Sherloc (09022015). Collection method: clinical testing. Allele origin: germline.
Comment: In summary, the available evidence is currently insufficient to determine the role of this variant in disease. Therefore, it has been classified as a Variant of Uncertain Significance. Algorithms developed to predict the effect of missense changes on protein structure and function (SIFT, PolyPhen-2, Align-GVGD) all suggest that this variant is likely to be tolerated, but these predictions have not been confirmed by published functional studies and their clinical significance is uncertain. This variant has not been reported in the literature in individuals with POLR3A-related conditions. This variant is not present in population databases (ExAC no frequency). This sequence change replaces methionine with leucine at codon 871 of the POLR3A protein (p.Met871Leu). The methionine residue is highly conserved and there is a small physicochemical difference between methionine and leucine.